The following is an entry in ClinVar:

ClinVar aggregate classification (germline): Uncertain significance (1 of 4 stars; one submission).

Conditions:
Hereditary cancer-predisposing syndrome. Also called: Tumor predisposition; Hereditary Cancer Syndrome; Neoplastic Syndromes, Hereditary; Hereditary neoplastic syndrome. Identifiers: Orphanet 140162, MedGen C0027672, MeSH D009386, MONDO:0015356.

Submission:

Ambry Genetics
Classification: Uncertain significance for Hereditary cancer-predisposing syndrome. Last evaluated: 2025-10-23. Review status: criteria provided, single submitter. Criteria: Ambry Variant Classification Scheme 2023. Collection method: clinical testing. Allele origin: germline.
Comment: The p.I88T variant (also known as c.263T>C), located in coding exon 1 of the STK11 gene, results from a T to C substitution at nucleotide position 263. The isoleucine at codon 88 is replaced by threonine, an amino acid with similar properties. This amino acid position is highly conserved in available vertebrate species. In addition, the in silico prediction for this alteration is inconclusive. Since supporting evidence is limited at this time, the clinical significance of this alteration remains unclear.

NM_000455.5(STK11):c.263T>C (p.Ile88Thr)

Gene: STK11 (serine/threonine kinase 11; plus strand). Cytogenetic location: 19p13.3.
Variant type: single nucleotide variant.
Coding change: c.263T>C on transcript NM_000455.5 (MANE Select); coding-DNA position 263, T replaced by C.
Protein change: p.Ile88Thr; replaces isoleucine 88 with threonine.
Molecular consequence: missense variant.
Genome position (GRCh38, 1-based): chr19:1,207,176, T>C. VCF-style: chr19-1207176-T-C. GRCh37 (hg19) VCF-style: chr19-1207175-T-C.
Other names: c.263T>C, p.Ile88Thr (NM_001407255.1); short protein forms I88T.
Identifiers: ClinVar variation 1794182 (VCV001794182.3), dbSNP rs2512921758, ClinGen allele CA402944554.